The following is an entry in ClinVar:

NM_014271.4(IL1RAPL1):c.778G>A (p.Gly260Ser)

Gene: IL1RAPL1 (interleukin 1 receptor accessory protein like 1; plus strand). Cytogenetic location: Xp21.2.
Variant type: single nucleotide variant.
Coding change: c.778G>A on transcript NM_014271.4 (MANE Select); coding-DNA position 778, G replaced by A.
Protein change: p.Gly260Ser; replaces glycine 260 with serine.
Molecular consequence: missense variant.
Genome position (GRCh38, 1-based): chrX:29,668,504, G>A. VCF-style: chrX-29668504-G-A. GRCh37 (hg19) VCF-style: chrX-29686621-G-A.
Other names: short protein forms G260S.
Identifiers: ClinVar variation 4709020 (VCV004709020.1).
Genomic context (GRCh38, chrX:29,668,504, plus strand): 5'-AAGCCACCCAAGCTTTTGTATCCTATGGAAAGTAAACTGACAATTCAGGAGACCCAGCTG[G>A]GTGAGTAATTCCTTAATTCTAGTTAATATGCTGCTCTCGTTACATTGTGACAGTTAATAA-3'
Protein context (NP_055086.1, residues 250-270): SKLTIQETQL[Gly260Ser]DSANLTCRAF

ClinVar aggregate classification (germline): Uncertain significance (1 of 4 stars; one submission).

gnomAD v4.1: 2 of 1,177,106 alleles (0.00017%); highest among the groups gnomAD compares: Admixed American, 0.0022%; no homozygotes.

Submission:

Labcorp Genetics (formerly Invitae), Labcorp
Classification: Uncertain significance. Last evaluated: 2025-04-05. Review status: criteria provided, single submitter. Criteria: Invitae Variant Classification Sherloc (09022015). Collection method: clinical testing. Allele origin: germline.
Comment: This sequence change affects codon 260 of the IL1RAPL1 mRNA. It is a 'silent' change, meaning that it does not change the encoded amino acid sequence of the IL1RAPL1 protein. This variant also falls at the last nucleotide of exon 6, which is part of the consensus splice site for this exon. This variant is present in population databases (no rsID available, gnomAD no frequency), including at least one homozygous and/or hemizygous individual. This variant has not been reported in the literature in individuals affected with IL1RAPL1-related conditions. An algorithm developed to predict the effect of missense changes on protein structure and function (PolyPhen-2) suggests that this variant is likely to be tolerated. Variants that disrupt the consensus splice site are a relatively common cause of aberrant splicing (PMID: 17576681, 9536098). In summary, the available evidence is currently insufficient to determine the role of this variant in disease. Therefore, it has been classified as a Variant of Uncertain Significance.

Literature cited by the submitters: PubMed 17576681; PubMed 9536098.